The following is an entry in ClinVar:

NM_007118.4(TRIO):c.3673G>A (p.Asp1225Asn)

Gene: TRIO (trio Rho guanine nucleotide exchange factor; plus strand). Cytogenetic location: 5p15.2.
Variant type: single nucleotide variant.
Coding change: c.3673G>A on transcript NM_007118.4 (MANE Select); coding-DNA position 3673, G replaced by A.
Protein change: p.Asp1225Asn; replaces aspartic acid 1225 with asparagine.
Molecular consequence: missense variant. On other transcripts: non-coding transcript variant (1).
Genome position (GRCh38, 1-based): chr5:14,387,540, G>A. VCF-style: chr5-14387540-G-A. GRCh37 (hg19) VCF-style: chr5-14387649-G-A.
Other names: short protein forms D1225N.
Identifiers: ClinVar variation 2502077 (VCV002502077.1), dbSNP rs763490348, ClinGen allele CA359225401.

ClinVar aggregate classification (germline): Uncertain significance (1 of 4 stars; one submission).

Allele frequency attached by ClinVar (database versions not stated): gnomAD 0.00001; TOPMed 0.00001.
gnomAD v4.1: 5 of 1,614,134 alleles (0.00031%); highest among the groups gnomAD compares: African/African-American, 0.0027%; no homozygotes.

Submission:

GeneDx
Classification: Uncertain significance. Last evaluated: 2022-11-14. Review status: criteria provided, single submitter. Criteria: GeneDx Variant Classification Process June 2021. Collection method: clinical testing. Allele origin: germline. Affected: yes.
Comment: Not observed at significant frequency in large population cohorts (gnomAD); In silico analysis supports that this missense variant has a deleterious effect on protein structure/function; Has not been previously published as pathogenic or benign to our knowledge